The following is an entry in ClinVar:

NM_000152.5(GAA):c.2702dup (p.Gln902fs)

Gene: GAA (alpha glucosidase; plus strand). Cytogenetic location: 17q25.3.
Variant type: Duplication.
Coding change: c.2702dup on transcript NM_000152.5 (MANE Select); coding-DNA position 2702, one base duplicated (T; older notation c.2702dupT).
Protein change: p.Gln902fs; shifts the reading frame from glutamine 902.
Molecular consequence: frameshift variant.
Genome position (GRCh38, 1-based): chr17:80,118,708, T duplicated. VCF-style (leftmost placement, unchanged base first): chr17-80118707-C-CT. GRCh37 (hg19) VCF-style: chr17-78092506-C-CT.
Other names: c.2702dup, p.Gln902fs (NM_001079803.3, NM_001079804.3); c.2702dup, p.Gln902Alafs (NM_001406741.1, NM_001406742.1); short protein forms Q902fs.
Identifiers: ClinVar variation 2018042 (VCV002018042.4), dbSNP rs2510404344, ClinGen allele CA2580095385.

ClinVar aggregate classification (germline): Pathogenic (1 of 4 stars; one submission).

Conditions:
Glycogen storage disease, type II (IOPD). Also called: CARDIOMEGALIA GLYCOGENICA DIFFUSA; POMPE DISEASE, INFANTILE-ONSET; GLYCOGEN STORAGE DISEASE II, INFANTILE-ONSET; ACID ALPHA-GLUCOSIDASE DEFICIENCY, INFANTILE-ONSET; GAA DEFICIENCY, INFANTILE-ONSET; ACID MALTASE DEFICIENCY, INFANTILE-ONSET. Identifiers: Orphanet 365, MedGen C0017921, MONDO:0009290, OMIM 232300.

Submission:

Labcorp Genetics (formerly Invitae), Labcorp
Classification: Pathogenic for Glycogen storage disease, type II. Last evaluated: 2022-07-19. Review status: criteria provided, single submitter. Criteria: Invitae Variant Classification Sherloc (09022015). Collection method: clinical testing. Allele origin: germline.
Comment: For these reasons, this variant has been classified as Pathogenic. This variant disrupts a region of the GAA protein in which other variant(s) (p.Tyr928Cys) have been determined to be pathogenic (PMID: 22252923, 29122469, 31606152, 33741225). This suggests that this is a clinically significant region of the protein, and that variants that disrupt it are likely to be disease-causing. This variant has not been reported in the literature in individuals affected with GAA-related conditions. This variant is not present in population databases (gnomAD no frequency). This sequence change results in a frameshift in the GAA gene (p.Gln902Alafs*116). While this is not anticipated to result in nonsense mediated decay, it is expected to disrupt the last 51 amino acid(s) of the GAA protein and extend the protein by 64 additional amino acid residues.

Literature cited by the submitters: PubMed 22252923; PubMed 29122469; PubMed 31606152; PubMed 33741225.